The following is an entry in ClinVar:

NM_203447.4(DOCK8):c.4304T>C (p.Leu1435Ser)

Gene: DOCK8 (dedicator of cytokinesis 8; plus strand). Cytogenetic location: 9p24.3.
Variant type: single nucleotide variant.
Coding change: c.4304T>C on transcript NM_203447.4 (MANE Select); coding-DNA position 4304, T replaced by C.
Protein change: p.Leu1435Ser; replaces leucine 1435 with serine.
Molecular consequence: missense variant.
Genome position (GRCh38, 1-based): chr9:426,947, T>C. VCF-style: chr9-426947-T-C. GRCh37 (hg19) VCF-style: chr9-426947-T-C.
Other names: c.4004T>C, p.Leu1335Ser (NM_001190458.2); c.4100T>C, p.Leu1367Ser (NM_001193536.2); short protein forms L1335S, L1367S, L1435S.
Identifiers: ClinVar variation 2182630 (VCV002182630.4), dbSNP rs1477713651, ClinGen allele CA372765831.

ClinVar aggregate classification (germline): Uncertain significance (1 of 4 stars; one submission).

Conditions:
Combined immunodeficiency due to DOCK8 deficiency (HIES2). Also called: Hyper-IgE recurrent infection syndrome, autosomal recessive; HYPER-IgE RECURRENT INFECTION SYNDROME 2, AUTOSOMAL RECESSIVE; HIES autosomal recessive; HYPER-IgE SYNDROME 2, AUTOSOMAL RECESSIVE, WITH RECURRENT INFECTIONS; DOCK8 Deficiency. Identifiers: Orphanet 217390, MedGen C4722305, MONDO:0009478, OMIM 243700.

Allele frequency attached by ClinVar (database versions not stated): gnomAD exomes below 0.00001; TOPMed below 0.00001.
gnomAD v4.1: 2 of 1,614,124 alleles (0.00012%); highest among the groups gnomAD compares: Non-Finnish European, 0.00017%; no homozygotes.

Submission:

Labcorp Genetics (formerly Invitae), Labcorp
Classification: Uncertain significance for Combined immunodeficiency due to DOCK8 deficiency. Last evaluated: 2022-03-27. Review status: criteria provided, single submitter. Criteria: Invitae Variant Classification Sherloc (09022015). Collection method: clinical testing. Allele origin: germline.
Comment: In summary, the available evidence is currently insufficient to determine the role of this variant in disease. Therefore, it has been classified as a Variant of Uncertain Significance. Algorithms developed to predict the effect of missense changes on protein structure and function (SIFT, PolyPhen-2, Align-GVGD) all suggest that this variant is likely to be disruptive. This variant has not been reported in the literature in individuals affected with DOCK8-related conditions. This variant is present in population databases (no rsID available, gnomAD 0.0009%). This sequence change replaces leucine, which is neutral and non-polar, with serine, which is neutral and polar, at codon 1435 of the DOCK8 protein (p.Leu1435Ser).